The following is an entry in ClinVar:

NM_000548.5(TSC2):c.5237A>G (p.His1746Arg)

Gene: TSC2 (TSC complex subunit 2; plus strand). Cytogenetic location: 16p13.3.
Variant type: single nucleotide variant.
Coding change: c.5237A>G on transcript NM_000548.5 (MANE Select); coding-DNA position 5237, A replaced by G.
Protein change: p.His1746Arg; replaces histidine 1746 with arginine.
Molecular consequence: missense variant.
Genome position (GRCh38, 1-based): chr16:2,088,303, A>G. VCF-style: chr16-2088303-A-G. GRCh37 (hg19) VCF-style: chr16-2138304-A-G.
Other names: c.5036A>G, p.His1679Arg (NM_001077183.3); c.5168A>G, p.His1723Arg (NM_001114382.3); c.4928A>G, p.His1643Arg (NM_001318827.2); c.4892A>G, p.His1631Arg (NM_001318829.2); c.4505A>G, p.His1502Arg (NM_001318831.2); c.5069A>G, p.His1690Arg (NM_001318832.2); c.5039A>G, p.His1680Arg (NM_001363528.2); c.5105A>G, p.His1702Arg (NM_001370404.1); and 2 more; short protein forms H1631R, H1680R, H1690R, H1699R, H1746R, H1643R, H1703R, H1679R.
Identifiers: ClinVar variation 1359198 (VCV001359198.4), dbSNP rs2151631825, ClinGen allele CA394314615.
Genomic context (GRCh38, chr16:2,088,303, plus strand): 5'-ATCATAGCCGCTCCAACCCCACCGATATCTACCCCTCCAAGTGGATTGCCCGGCTCCGCC[A>G]CATCAAGCGGCTCCGCCAGCGGGTAGGGAATATGGGGCTCCCTCAGCGGGGTGTGCTGGC-3'
Protein context (NP_000539.2, residues 1736-1756): YPSKWIARLR[His1746Arg]IKRLRQRICE

ClinVar aggregate classification (germline): Uncertain significance (1 of 4 stars; one submission).

Conditions:
Tuberous sclerosis 2 (TSC2). Identifiers: Orphanet 805, MedGen C1860707, MONDO:0013199, OMIM 613254.

Submission:

Labcorp Genetics (formerly Invitae), Labcorp
Classification: Uncertain significance for Tuberous sclerosis 2. Last evaluated: 2023-05-18. Review status: criteria provided, single submitter. Criteria: Invitae Variant Classification Sherloc (09022015). Collection method: clinical testing. Allele origin: germline.
Comment: In summary, the available evidence is currently insufficient to determine the role of this variant in disease. Therefore, it has been classified as a Variant of Uncertain Significance. Advanced modeling of protein sequence and biophysical properties (such as structural, functional, and spatial information, amino acid conservation, physicochemical variation, residue mobility, and thermodynamic stability) performed at Invitae indicates that this missense variant is not expected to disrupt TSC2 protein function. ClinVar contains an entry for this variant (Variation ID: 1359198). This variant has not been reported in the literature in individuals affected with TSC2-related conditions. This variant is not present in population databases (gnomAD no frequency). This sequence change replaces histidine, which is basic and polar, with arginine, which is basic and polar, at codon 1746 of the TSC2 protein (p.His1746Arg).